The following is an entry in ClinVar:

NM_152598.4(MARCHF10):c.1478C>T (p.Ser493Leu)

Genes: MARCHF10 (membrane associated ring-CH-type finger 10; minus strand), MARCHF10-AS1 (MARCHF10 antisense RNA 1; plus strand). Cytogenetic location: 17q23.2.
Variant type: single nucleotide variant.
Coding change: c.1478C>T on transcript NM_152598.4 (MANE Select); coding-DNA position 1478, C replaced by T.
Protein change: p.Ser493Leu; replaces serine 493 with leucine.
Molecular consequence: missense variant. On other transcripts: non-coding transcript variant (1).
Genome position (GRCh38, 1-based): chr17:62,736,390, G>A on the plus strand (C>T on the coding strand, the complement: MARCHF10 is on the minus strand). VCF-style: chr17-62736390-G-A. GRCh37 (hg19) VCF-style: chr17-60813751-G-A.
Other names: c.1478C>T, p.Ser493Leu (NM_001100875.3); c.1592C>T, p.Ser531Leu (NM_001288779.2); c.1475C>T, p.Ser492Leu (NM_001288780.2); short protein forms S492L, S493L, S531L.
Identifiers: ClinVar variation 3053110 (VCV003053110.2), dbSNP rs74504785, ClinGen allele CA8696789.
Genomic context (GRCh38, chr17:62,736,390, plus strand): 5'-AGTGGTTGGCAAACATGAAACCCTGAGTTTCCCTCTGAGTCTGAGCTGTGAACTGAAGTC[G>A]ATGACATTGACAAGTCTACTGGAATATCATCTCTCAGAGCAGAATGCATGAATGATGCAG-3'
Protein context (NP_689811.2, residues 483-503): DDIPVDLSMS[Ser493Leu]TSVHSSDSEG

ClinVar aggregate classification (germline): Benign (0 of 4 stars; one submission).

Conditions:
MARCHF10-related disorder. Also called: MARCHF10-related condition.

Allele frequency attached by ClinVar (database versions not stated): gnomAD exomes 0.00030; ExAC 0.00112; 1000 Genomes Project 0.00220; 1000 Genomes Project 30x 0.00281; gnomAD 0.00326; ESP Exome Variant Server 0.00354; TOPMed 0.00377.
gnomAD v4.1: 952 of 1,614,146 alleles (0.059%); highest among the groups gnomAD compares: African/African-American, 1.1%; 4 homozygotes.

Submission:

PreventionGenetics, part of Exact Sciences
Classification: Benign for MARCHF10-related condition. Last evaluated: 2020-02-24. Review status: no assertion criteria provided. Collection method: clinical testing. Allele origin: germline.
Comment: This variant is classified as benign based on ACMG/AMP sequence variant interpretation guidelines (Richards et al. 2015 PMID: 25741868, with internal and published modifications).